The following is an entry in ClinVar:

ClinVar aggregate classification (germline): Pathogenic. Review status: criteria provided, multiple submitters, no conflicts (2 of 4 stars). 2 submissions from 2 submitters: Pathogenic (2). Last evaluated 2021-12-29.

Conditions:
Duchenne muscular dystrophy (DMD). Also called: MUSCULAR DYSTROPHY, PSEUDOHYPERTROPHIC PROGRESSIVE, DUCHENNE TYPE; Duchenne Muscular Dystrophy (DMD). Identifiers: Orphanet 98896, MedGen C0013264, MONDO:0010679, OMIM 310200.

Submissions (2):

Labcorp Genetics (formerly Invitae), Labcorp
Classification: Pathogenic for Duchenne muscular dystrophy. Last evaluated: 2021-12-29. Review status: criteria provided, single submitter. Criteria: Invitae Variant Classification Sherloc (09022015). Collection method: clinical testing. Allele origin: germline.
Comment: Studies have shown that disruption of this splice site alters mRNA splicing and is expected to lead to the loss of protein expression (PMID: 31379145). ClinVar contains an entry for this variant (Variation ID: 193870). Disruption of this splice site has been observed in individuals with Duchenne muscular dystrophy (PMID: 17726484, 28859693, 29973226, 31379145). This variant is not present in population databases (gnomAD no frequency). This sequence change affects an acceptor splice site in intron 10 of the DMD gene. It is expected to disrupt RNA splicing. Variants that disrupt the donor or acceptor splice site typically lead to a loss of protein function (PMID: 16199547), and loss-of-function variants in DMD are known to be pathogenic (PMID: 16770791, 25007885). For these reasons, this variant has been classified as Pathogenic.

Eurofins Ntd Llc (ga)
Classification: Pathogenic. Last evaluated: 2014-12-05. Review status: criteria provided, single submitter. Criteria: EGL Classification Definitions 2015. Collection method: clinical testing. Allele origin: germline. Observed: 1 variant allele, 1 hemizygote.

Literature cited by the submitters: PubMed 31379145 (cited by Labcorp Genetics (formerly Invitae), Labcorp); PubMed 17726484 (cited by Labcorp Genetics (formerly Invitae), Labcorp); PubMed 28859693 (cited by Labcorp Genetics (formerly Invitae), Labcorp); PubMed 29973226 (cited by Labcorp Genetics (formerly Invitae), Labcorp); PubMed 16199547 (cited by Labcorp Genetics (formerly Invitae), Labcorp); PubMed 16770791 (cited by Labcorp Genetics (formerly Invitae), Labcorp); PubMed 25007885 (cited by Labcorp Genetics (formerly Invitae), Labcorp).

NM_004006.3(DMD):c.1150-2A>G

Gene: DMD (dystrophin; minus strand). Cytogenetic location: Xp21.1.
Variant type: single nucleotide variant.
Coding change: c.1150-2A>G on transcript NM_004006.3 (MANE Select); the canonical splice acceptor site of the intron before coding-DNA position 1150, A replaced by G.
Molecular consequence: splice acceptor variant.
Genome position (GRCh38, 1-based): chrX:32,644,315, T>C on the plus strand (A>G on the coding strand, the complement: DMD is on the minus strand). VCF-style: chrX-32644315-T-C. GRCh37 (hg19) VCF-style: chrX-32662432-T-C.
Other names: c.1126-2A>G (NM_000109.4); c.1138-2A>G (NM_004009.3); c.781-2A>G (NM_004010.3).
Identifiers: ClinVar variation 193870 (VCV000193870.11), dbSNP rs794727030, ClinGen allele CA274958.
Genomic context (GRCh38, chrX:32,644,315, plus strand): 5'-CCCAATTGTAGAATATTACCAACCCGGCCCTGATGGGCTGTCAAATCCATCATGTACCCC[T>C]GACAAAGAAGGAAGTTAACAATTGTAATTAGAACTCTAGGTAAATCGGTGTGGTTTTGAG-3'